The following is an entry in ClinVar:

NM_020919.4(ALS2):c.3904C>T (p.Arg1302Cys)

Gene: ALS2 (alsin Rho guanine nucleotide exchange factor ALS2; minus strand). Cytogenetic location: 2q33.1.
Variant type: single nucleotide variant.
Coding change: c.3904C>T on transcript NM_020919.4 (MANE Select); coding-DNA position 3904, C replaced by T.
Protein change: p.Arg1302Cys; replaces arginine 1302 with cysteine.
Molecular consequence: missense variant.
Genome position (GRCh38, 1-based): chr2:201,715,772, G>A on the plus strand (C>T on the coding strand, the complement: ALS2 is on the minus strand). VCF-style: chr2-201715772-G-A. GRCh37 (hg19) VCF-style: chr2-202580495-G-A.
Other names: short protein forms R1302C.
Identifiers: ClinVar variation 1484435 (VCV001484435.8), dbSNP rs759509511, ClinGen allele CA2057727.

ClinVar aggregate classification (germline): Uncertain significance (1 of 4 stars; one submission).

Conditions:
Infantile-onset ascending hereditary spastic paralysis (IAHSP). Also called: Autosomal Recessive Juvenile Amyotrophic Lateral Sclerosis; Infantile-Onset Ascending Hereditary Spastic Paralysis (IAHSP). Identifiers: Orphanet 293168, MedGen C2931441, MONDO:0011797, OMIM 607225. Disease mechanism: loss of function.

Allele frequency attached by ClinVar (database versions not stated): gnomAD 0.00001; gnomAD exomes 0.00001 and 0.00002; ExAC 0.00002.
gnomAD v4.1: 12 of 1,614,068 alleles (0.00074%); highest among the groups gnomAD compares: South Asian, 0.0033%; no homozygotes.

Submission:

Labcorp Genetics (formerly Invitae), Labcorp
Classification: Uncertain significance for Infantile-onset ascending hereditary spastic paralysis. Last evaluated: 2021-04-07. Review status: criteria provided, single submitter. Criteria: Invitae Variant Classification Sherloc (09022015). Collection method: clinical testing. Allele origin: germline.
Comment: This variant is present in population databases (rs759509511, ExAC 0.01%). In summary, the available evidence is currently insufficient to determine the role of this variant in disease. Therefore, it has been classified as a Variant of Uncertain Significance. Algorithms developed to predict the effect of missense changes on protein structure and function (SIFT, PolyPhen-2, Align-GVGD) all suggest that this variant is likely to be tolerated, but these predictions have not been confirmed by published functional studies and their clinical significance is uncertain. This variant has not been reported in the literature in individuals with ALS2-related conditions. This sequence change replaces arginine with cysteine at codon 1302 of the ALS2 protein (p.Arg1302Cys). The arginine residue is weakly conserved and there is a large physicochemical difference between arginine and cysteine.